The following is an entry in ClinVar:

ClinVar aggregate classification (germline): Benign (0 of 4 stars; one submission).

Conditions:
PNPLA5-related disorder. Also called: PNPLA5-related condition.

Allele frequency attached by ClinVar (database versions not stated): TOPMed 0.00018; ESP Exome Variant Server 0.00023; 1000 Genomes Project 30x 0.00047; 1000 Genomes Project 0.00060; gnomAD exomes 0.00064; gnomAD 0.00135; ExAC 0.00139.
gnomAD v4.1: 1,136 of 1,609,490 alleles (0.071%); highest among the groups gnomAD compares: Admixed American, 0.042%; 6 homozygotes.

Submission:

PreventionGenetics, part of Exact Sciences
Classification: Benign for PNPLA5-related condition. Last evaluated: 2019-08-01. Review status: no assertion criteria provided. Collection method: clinical testing. Allele origin: germline.
Comment: This variant is classified as benign based on ACMG/AMP sequence variant interpretation guidelines (Richards et al. 2015 PMID: 25741868, with internal and published modifications).

NM_138814.4(PNPLA5):c.949+6G>T

Gene: PNPLA5 (patatin like domain 5, triacylglycerol lipase; minus strand). Cytogenetic location: 22q13.31.
Variant type: single nucleotide variant.
Coding change: c.949+6G>T on transcript NM_138814.4 (MANE Select); 6 bases into the intron after coding-DNA position 949, G replaced by T.
Molecular consequence: intron variant.
Genome position (GRCh38, 1-based): chr22:43,886,297, C>A on the plus strand (G>T on the coding strand, the complement: PNPLA5 is on the minus strand). VCF-style: chr22-43886297-C-A. GRCh37 (hg19) VCF-style: chr22-44282177-C-A.
Other names: c.607+6G>T (NM_001177675.2); c.529+6G>T (NM_001371410.1).
Identifiers: ClinVar variation 3035582 (VCV003035582.2), dbSNP rs201451442, ClinGen allele CA10277450.